The following is an entry in ClinVar:

ClinVar aggregate classification (germline): Uncertain significance (1 of 4 stars; one submission).
ClinVar aggregate classification (somatic clinical impact): Tier I - Strong (1 of 4 stars; one submission).

Conditions:
Hereditary cancer-predisposing syndrome. Also called: Neoplastic Syndromes, Hereditary; Tumor predisposition; Hereditary Cancer Syndrome; Hereditary neoplastic syndrome. Identifiers: Orphanet 140162, MedGen C0027672, MeSH D009386, MONDO:0015356.
Diffuse glioma, H3 G34 mutant. Identifiers: MedGen CN377580, MONDO:0957197.

Submissions (2):

Institute for Genomic Medicine (IGM) Clinical Laboratory, Nationwide Children's Hospital
Classification: Tier I - Strong for Diffuse glioma, H3 G34 mutant. Assertion type: diagnostic. Clinical significance: supports diagnosis. Last evaluated: 2025-01-02. Review status: criteria provided, single submitter. Criteria: AMP/ASCO/CAP Guidelines, 2017. Collection method: clinical testing. Allele origin: somatic. Affected: yes.
Comment: Variant has Tier I (strong) clinical significance as a diagnostic inclusion criterion in diffuse glioma, H3 G34 mutant, based on the following evidence: 1) Documented in one or more cancer databases (e.g., St. Jude Pecan, COSMIC, CIViC, OncoKB). 2) Appears in one or more well-established professional guidelines (e.g., World Health Organization [WHO]; National Comprehensive Cancer Network [NCCN]) as providing diagnostic, prognostic, or therapeutic information. 3) Diagnostic for a specific tumor type/classification based on well-powered studies with expert-level consensus (Evidence Level B; PMIDs: 24705251, 25230881, 28966033, 29763623, 24705250, 33259802).

Ambry Genetics
Classification: Uncertain significance for Hereditary cancer-predisposing syndrome. Last evaluated: 2024-10-13. Review status: criteria provided, single submitter. Criteria: Ambry Variant Classification Scheme 2023. Collection method: clinical testing. Allele origin: germline.
Comment: The p.P343S variant (also known as c.1027C>T), located in coding exon 6 of the PDGFRA gene, results from a C to T substitution at nucleotide position 1027. The proline at codon 343 is replaced by serine, an amino acid with similar properties. This amino acid position is conserved. In addition, the in silico prediction for this alteration is inconclusive. Based on the available evidence, the clinical significance of this variant remains unclear.

Literature cited by the submitters: PubMed 24705251 (cited by Institute for Genomic Medicine (IGM) Clinical Laboratory, Nationwide Children's Hospital); PubMed 25230881 (cited by Institute for Genomic Medicine (IGM) Clinical Laboratory, Nationwide Children's Hospital); PubMed 28966033 (cited by Institute for Genomic Medicine (IGM) Clinical Laboratory, Nationwide Children's Hospital); PubMed 29763623 (cited by Institute for Genomic Medicine (IGM) Clinical Laboratory, Nationwide Children's Hospital); PubMed 24705250 (cited by Institute for Genomic Medicine (IGM) Clinical Laboratory, Nationwide Children's Hospital); PubMed 33259802 (cited by Institute for Genomic Medicine (IGM) Clinical Laboratory, Nationwide Children's Hospital).

NM_006206.6(PDGFRA):c.1027C>T (p.Pro343Ser)

Gene: PDGFRA (platelet derived growth factor receptor alpha; plus strand). Cytogenetic location: 4q12.
Variant type: single nucleotide variant.
Coding change: c.1027C>T on transcript NM_006206.6 (MANE Select); coding-DNA position 1027, C replaced by T.
Protein change: p.Pro343Ser; replaces proline 343 with serine.
Molecular consequence: missense variant.
Genome position (GRCh38, 1-based): chr4:54,267,647, C>T. VCF-style: chr4-54267647-C-T. GRCh37 (hg19) VCF-style: chr4-55133814-C-T.
Other names: c.1027C>T, p.Pro343Ser (NM_001347827.2, NM_001347829.2); c.1102C>T, p.Pro368Ser (NM_001347828.2); c.1066C>T, p.Pro356Ser (NM_001347830.2); short protein forms P343S, P356S, P368S.
Identifiers: ClinVar variation 3416431 (VCV003416431.2).